The following is an entry in ClinVar:

NM_006231.4(POLE):c.1695C>A (p.Ala565=)

Gene: POLE (DNA polymerase epsilon, catalytic subunit; minus strand). Cytogenetic location: 12q24.33.
Variant type: single nucleotide variant.
Coding change: c.1695C>A on transcript NM_006231.4 (MANE Select); coding-DNA position 1695, C replaced by A.
Protein change: p.Ala565=; no amino-acid change (alanine 565 retained).
Molecular consequence: synonymous variant.
Genome position (GRCh38, 1-based): chr12:132,672,314, G>T on the plus strand (C>A on the coding strand, the complement: POLE is on the minus strand). VCF-style: chr12-132672314-G-T. GRCh37 (hg19) VCF-style: chr12-133248900-G-T.
Identifiers: ClinVar variation 382537 (VCV000382537.52), dbSNP rs139748472, ClinGen allele CA6893854.

ClinVar aggregate classification (germline): Likely benign. Review status: criteria provided, multiple submitters, no conflicts (2 of 4 stars). 11 submissions from 11 submitters: Likely benign (11). Last evaluated 2026-02-02.

Conditions:
Hereditary cancer-predisposing syndrome. Also called: Neoplastic Syndromes, Hereditary; Hereditary neoplastic syndrome; Tumor predisposition; Hereditary Cancer Syndrome. Identifiers: Orphanet 140162, MedGen C0027672, MeSH D009386, MONDO:0015356.
POLE-related disorder. Also called: POLE-related condition; POLE-related disorders.
Intrauterine growth retardation, metaphyseal dysplasia, adrenal hypoplasia congenita, genital anomalies, and immunodeficiency. Also called: IMAGEI SYNDROME. Identifiers: MedGen C5193036, MONDO:0032684, OMIM 618336.
Facial dysmorphism-immunodeficiency-livedo-short stature syndrome. Also called: Facial dysmorphism, immunodeficiency, livedo, and short stature; FILS syndrome. Identifiers: Orphanet 352712, MedGen C3554576, MONDO:0014058, OMIM 615139.
Colorectal cancer, susceptibility to, 12 (CRCS12). Also called: COLORECTAL CANCER, SUSCEPTIBILITY TO, ON CHROMOSOME 12q24. Identifiers: Orphanet 220460, MedGen C3554460, MONDO:0014038, OMIM 615083.

Allele frequency attached by ClinVar (database versions not stated): TOPMed 0.00005; ESP Exome Variant Server 0.00031.

Submissions (11):

Labcorp Genetics (formerly Invitae), Labcorp
Classification: Likely benign. Last evaluated: 2026-02-02. Review status: criteria provided, single submitter. Criteria: Invitae Variant Classification Sherloc (09022015). Collection method: clinical testing. Allele origin: germline.

Center for Genomic Medicine, Rigshospitalet, Copenhagen University Hospital
Classification: Likely benign. Last evaluated: 2025-03-04. Review status: criteria provided, single submitter. Criteria: ACMG Guidelines, 2015. Collection method: clinical testing. Allele origin: germline.

PreventionGenetics, part of Exact Sciences
Classification: Likely benign for POLE-related condition. Last evaluated: 2024-12-05. Review status: criteria provided, single submitter. Criteria: ACMG Guidelines, 2015. Collection method: clinical testing. Allele origin: germline.
Comment: This variant is classified as likely benign based on ACMG/AMP sequence variant interpretation guidelines (Richards et al. 2015 PMID: 25741868, with internal and published modifications).

Blueprint Genetics
Classification: Likely benign. Last evaluated: 2024-09-23. Review status: criteria provided, single submitter. Criteria: ACMG Guidelines, 2015. Collection method: clinical testing. Allele origin: germline.

CeGaT Center for Human Genetics Tuebingen
Classification: Likely benign. Last evaluated: 2024-06-01. Review status: criteria provided, single submitter. Criteria: CeGaT Center For Human Genetics Tuebingen Variant Classification Criteria Version 2. Collection method: clinical testing. Allele origin: germline. Affected: yes. Observed: 3 variant alleles.
Comment: POLE: BP4, BP7

Department of Pathology and Laboratory Medicine, Sinai Health System
Classification: Likely benign for Colorectal cancer, susceptibility to, 12; Facial dysmorphism-immunodeficiency-livedo-short stature syndrome; Intrauterine growth retardation, metaphyseal dysplasia, adrenal hypoplasia congenita, genital anomalies, and immunodeficiency. Last evaluated: 2021-05-06. Review status: criteria provided, single submitter. Criteria: ACMG Guidelines, 2015. Collection method: clinical testing. Allele origin: germline. Affected: yes.

Sema4
Classification: Likely benign for Hereditary cancer-predisposing syndrome. Last evaluated: 2021-03-26. Review status: criteria provided, single submitter. Criteria: Sema4 Curation Guidelines. Collection method: curation. Allele origin: germline.

ARUP Laboratories, Molecular Genetics and Genomics, ARUP Laboratories
Classification: Likely benign. Last evaluated: 2021-01-25. Review status: criteria provided, single submitter. Criteria: ARUP Molecular Germline Variant Investigation Process 2021. Collection method: clinical testing. Allele origin: germline.

Quest Diagnostics Nichols Institute San Juan Capistrano
Classification: Likely benign. Last evaluated: 2019-11-08. Review status: criteria provided, single submitter. Criteria: Quest Diagnostics criteria. Collection method: clinical testing. Allele origin: unknown.

GeneDx
Classification: Likely benign. Last evaluated: 2019-09-03. Review status: criteria provided, single submitter. Criteria: GeneDx Variant Classification Process June 2021. Collection method: clinical testing. Allele origin: germline. Affected: yes.
Comment: Not observed at a significant frequency in large population cohorts (Lek et al., 2016)

Ambry Genetics
Classification: Likely benign for Hereditary cancer-predisposing syndrome. Last evaluated: 2015-08-11. Review status: criteria provided, single submitter. Criteria: Ambry Variant Classification Scheme 2023. Collection method: clinical testing. Allele origin: germline.